The following is an entry in ClinVar:

NM_001365480.1(CCDC88A):c.968A>G (p.Asp323Gly)

Gene: CCDC88A (coiled-coil and HOOK domain protein 88A; minus strand). Cytogenetic location: 2p16.1.
Variant type: single nucleotide variant.
Coding change: c.968A>G on transcript NM_001365480.1 (MANE Select); coding-DNA position 968, A replaced by G.
Protein change: p.Asp323Gly; replaces aspartic acid 323 with glycine.
Molecular consequence: missense variant.
Genome position (GRCh38, 1-based): chr2:55,346,248, T>C on the plus strand (A>G on the coding strand, the complement: CCDC88A is on the minus strand). VCF-style: chr2-55346248-T-C. GRCh37 (hg19) VCF-style: chr2-55573384-T-C.
Other names: c.968A>G, p.Asp323Gly (NM_001135597.2, NM_001254943.2, NM_018084.5); short protein forms D323G.
Identifiers: ClinVar variation 2093601 (VCV002093601.4), dbSNP rs1274979426, ClinGen allele CA346906979.

ClinVar aggregate classification (germline): Uncertain significance (1 of 4 stars; one submission).

Submission:

Labcorp Genetics (formerly Invitae), Labcorp
Classification: Uncertain significance. Last evaluated: 2022-02-05. Review status: criteria provided, single submitter. Criteria: Invitae Variant Classification Sherloc (09022015). Collection method: clinical testing. Allele origin: germline.
Comment: In summary, the available evidence is currently insufficient to determine the role of this variant in disease. Therefore, it has been classified as a Variant of Uncertain Significance. Algorithms developed to predict the effect of sequence changes on RNA splicing suggest that this variant may create or strengthen a splice site. Algorithms developed to predict the effect of missense changes on protein structure and function are either unavailable or do not agree on the potential impact of this missense change (SIFT: "Deleterious"; PolyPhen-2: "Possibly Damaging"; Align-GVGD: "Class C0"). This variant has not been reported in the literature in individuals affected with CCDC88A-related conditions. This variant is present in population databases (no rsID available, gnomAD 0.0009%). This sequence change replaces aspartic acid, which is acidic and polar, with glycine, which is neutral and non-polar, at codon 323 of the CCDC88A protein (p.Asp323Gly).